The following is an entry in ClinVar:

ClinVar aggregate classification (germline): Uncertain significance (1 of 4 stars; one submission).

Submission:

Labcorp Genetics (formerly Invitae), Labcorp
Classification: Uncertain significance. Last evaluated: 2024-03-13. Review status: criteria provided, single submitter. Criteria: Invitae Variant Classification Sherloc (09022015). Collection method: clinical testing. Allele origin: germline.
Comment: This sequence change creates a premature translational stop signal (p.Lys502Aspfs*8) in the TOE1 gene. While this is not anticipated to result in nonsense mediated decay, it is expected to disrupt the last 9 amino acid(s) of the TOE1 protein. This variant is not present in population databases (gnomAD no frequency). This variant has not been reported in the literature in individuals affected with TOE1-related conditions. Experimental studies and prediction algorithms are not available or were not evaluated, and the functional significance of this variant is currently unknown. In summary, the available evidence is currently insufficient to determine the role of this variant in disease. Therefore, it has been classified as a Variant of Uncertain Significance.

NM_025077.4(TOE1):c.1503_1504del (p.Lys502fs)

Gene: TOE1 (target of EGR1, exonuclease; plus strand). Cytogenetic location: 1p34.1.
Variant type: Deletion.
Coding change: c.1503_1504del on transcript NM_025077.4 (MANE Select); coding-DNA positions 1503 to 1504, 2 bases deleted (GA; older notation c.1503_1504delGA).
Protein change: p.Lys502fs; shifts the reading frame from lysine 502.
Molecular consequence: frameshift variant.
Genome position (GRCh38, 1-based): chr1:45,343,672-45,343,673, GA deleted; deleting any 2 consecutive bases within chr1:45,343,671-45,343,673 gives the same sequence; the c. name uses the placement nearest the transcript's 3' end. VCF-style (leftmost placement, unchanged base first): chr1-45343670-CAG-C. GRCh37 (hg19) VCF-style: chr1-45809342-CAG-C.
Other names: short protein forms K502fs.
Identifiers: ClinVar variation 3645580 (VCV003645580.2).